The following is an entry in ClinVar:

NM_001352754.2(ARMC9):c.1046C>T (p.Pro349Leu)

Gene: ARMC9 (armadillo repeat containing 9; plus strand). Cytogenetic location: 2q37.1.
Variant type: single nucleotide variant.
Coding change: c.1046C>T on transcript NM_001352754.2 (MANE Select); coding-DNA position 1046, C replaced by T.
Protein change: p.Pro349Leu; replaces proline 349 with leucine.
Molecular consequence: missense variant. On other transcripts: non-coding transcript variant (1).
Genome position (GRCh38, 1-based): chr2:231,262,325, C>T. VCF-style: chr2-231262325-C-T. GRCh37 (hg19) VCF-style: chr2-232127038-C-T.
Other names: c.1046C>T, p.Pro349Leu (NM_001271466.4, NM_001291656.2, NM_001352755.2 and 3 more transcripts); c.947C>T, p.Pro316Leu (NM_001352757.2, NM_001352758.2); short protein forms P316L, P349L.
Identifiers: ClinVar variation 1966316 (VCV001966316.2), dbSNP rs1434685953, ClinGen allele CA350956189.

ClinVar aggregate classification (germline): Uncertain significance (1 of 4 stars; one submission).

Allele frequency attached by ClinVar (database versions not stated): gnomAD exomes 0.00002; TOPMed 0.00002; gnomAD 0.00003.
gnomAD v4.1: 38 of 1,614,056 alleles (0.0024%); highest among the groups gnomAD compares: Non-Finnish European, 0.0032%; no homozygotes.

Submission:

Labcorp Genetics (formerly Invitae), Labcorp
Classification: Uncertain significance. Last evaluated: 2022-07-16. Review status: criteria provided, single submitter. Criteria: Invitae Variant Classification Sherloc (09022015). Collection method: clinical testing. Allele origin: germline.
Comment: This sequence change replaces proline, which is neutral and non-polar, with leucine, which is neutral and non-polar, at codon 349 of the ARMC9 protein (p.Pro349Leu). This variant is present in population databases (no rsID available, gnomAD 0.0009%). This variant has not been reported in the literature in individuals affected with ARMC9-related conditions. Experimental studies and prediction algorithms are not available or were not evaluated, and the functional significance of this variant is currently unknown. In summary, the available evidence is currently insufficient to determine the role of this variant in disease. Therefore, it has been classified as a Variant of Uncertain Significance.